The following is an entry in ClinVar:

NM_005633.4(SOS1):c.38A>G (p.Glu13Gly)

Genes: SOS1 (SOS Ras/Rac guanine nucleotide exchange factor 1; minus strand), LOC129933535 (ATAC-STARR-seq lymphoblastoid silent region 11384; plus strand). Cytogenetic location: 2p22.1.
Variant type: single nucleotide variant.
Coding change: c.38A>G on transcript NM_005633.4 (MANE Select); coding-DNA position 38, A replaced by G.
Protein change: p.Glu13Gly; replaces glutamic acid 13 with glycine.
Molecular consequence: missense variant. On other transcripts: intron variant (1).
Genome position (GRCh38, 1-based): chr2:39,120,385, T>C on the plus strand (A>G on the coding strand, the complement: SOS1 is on the minus strand). VCF-style: chr2-39120385-T-C. GRCh37 (hg19) VCF-style: chr2-39347526-T-C.
Other names: c.38A>G, p.Glu13Gly (NM_001382395.1); c.66+4279A>G (NM_001382394.1); short protein forms E13G.
Identifiers: ClinVar variation 1184719 (VCV001184719.10), dbSNP rs2148243276, ClinGen allele CA346374704.
Genomic context (GRCh38, chr2:39,120,385, plus strand): 5'-GTGCTCCTCACCTTTTTCAGCGCAGGCACCAGTAGTCCCCGCCACTTGGGCGCGTTCTCT[T>C]CGCTGAAAAACTCGTAGGGCAGCTGCTGCGCCTGCATGGTGCCCCCGGGGCGCCTCTGGG-3'
Protein context (NP_005624.2, residues 3-23): AQQLPYEFFS[Glu13Gly]ENAPKWRGLL

ClinVar aggregate classification (germline): Uncertain significance. Review status: criteria provided, multiple submitters, no conflicts (2 of 4 stars). 5 submissions from 4 submitters: Uncertain significance (5). Last evaluated 2025-08-06.

Conditions:
RASopathy. Also called: rasopathies; Noonan spectrum disorder. Identifiers: Orphanet 536391, MedGen C5555857, MONDO:0021060.
Fibromatosis, gingival, 1 (GINGF1). Identifiers: Orphanet 2024, MedGen C4551558, MONDO:0007609, OMIM 135300.
Noonan syndrome 4 (NS4). Also called: SOS1-Related Noonan Syndrome; NOONAN SYNDROME WITH PIGMENTED VILLONODULAR SYNOVITIS. Identifiers: Orphanet 648, MedGen C1853120, MONDO:0012547, OMIM 610733.
Noonan syndrome (NS). Also called: Noonan's syndrome. Identifiers: Orphanet 648, MedGen C0028326, MeSH D009634, MONDO:0018997. Disease mechanism: gain of function.

Submissions (5):

Labcorp Genetics (formerly Invitae), Labcorp
Classification: Uncertain significance for RASopathy. Last evaluated: 2025-08-06. Review status: criteria provided, single submitter. Criteria: Invitae Variant Classification Sherloc (09022015). Collection method: clinical testing. Allele origin: germline.
Comment: This sequence change replaces glutamic acid, which is acidic and polar, with glycine, which is neutral and non-polar, at codon 13 of the SOS1 protein (p.Glu13Gly). This variant is not present in population databases (gnomAD no frequency). This variant has not been reported in the literature in individuals affected with SOS1-related conditions. ClinVar contains an entry for this variant (Variation ID: 1184719). Invitae Evidence Modeling of protein sequence and biophysical properties (such as structural, functional, and spatial information, amino acid conservation, physicochemical variation, residue mobility, and thermodynamic stability) indicates that this missense variant is expected to disrupt SOS1 protein function with a positive predictive value of 95%. In summary, the available evidence is currently insufficient to determine the role of this variant in disease. Therefore, it has been classified as a Variant of Uncertain Significance.

GeneDx
Classification: Uncertain significance. Last evaluated: 2023-10-02. Review status: criteria provided, single submitter. Criteria: GeneDx Variant Classification Process June 2021. Collection method: clinical testing. Allele origin: germline. Affected: yes.
Comment: Not observed in large population cohorts (gnomAD); Missense variants in this gene are often considered pathogenic (HGMD); In silico analysis supports that this missense variant has a deleterious effect on protein structure/function; Has not been previously published as pathogenic or benign to our knowledge; This variant is associated with the following publications: (PMID: 29493581)

St. Jude Molecular Pathology, St. Jude Children's Research Hospital
Classification: Uncertain significance for Noonan syndrome. Last evaluated: 2021-06-24. Review status: criteria provided, single submitter. Criteria: St. Jude Assertion Criteria 2020. Collection method: clinical testing. Allele origin: germline.
Comment: The SOS1 c.38A>G (p.Glu13Gly) missense change is absent in gnomAD v2.1.1 (PM2). This variant occurs in a gene where missense variants are more likely to be damaging based on methods described by Lek et al. (PP2; PMID: 27535533). In silico tools are not in agreement about the effect of this variant on protein function, but to our knowledge these predictions have not been confirmed by functional studies. To our knowledge, this variant has not been reported in individuals with Noonan syndrome. In summary, this variant meets criteria to be classified as of uncertain significance based on the ACMG/AMP criteria, as specified by the RASopathy Variant Curation Expert Panel (PMID:29493581): PM2, PP2.

Genome-Nilou Lab
Classification: Uncertain significance for Noonan syndrome 4. Review status: criteria provided, single submitter. Criteria: ACMG Guidelines, 2015. Collection method: clinical testing. Allele origin: germline.

Genome-Nilou Lab
Classification: Uncertain significance for Fibromatosis, gingival, 1. Review status: criteria provided, single submitter. Criteria: ACMG Guidelines, 2015. Collection method: clinical testing. Allele origin: germline.